The following is an entry in ClinVar:

ClinVar aggregate classification (germline): Likely benign (1 of 4 stars; one submission).

Allele frequency attached by ClinVar (database versions not stated): 1000 Genomes Project 30x 0.00109; 1000 Genomes Project 0.00140; TOPMed 0.00292.
gnomAD v4.1: 411 of 152,216 alleles (0.27%); highest among the groups gnomAD compares: Non-Finnish European, 0.49%; no homozygotes.

Submission:

CeGaT Center for Human Genetics Tuebingen
Classification: Likely benign. Last evaluated: 2025-12-01. Review status: criteria provided, single submitter. Criteria: CeGaT Center For Human Genetics Tuebingen Variant Classification Criteria Version 2. Collection method: clinical testing. Allele origin: germline. Affected: yes. Observed: 7 variant alleles.
Comment: ASCC1: BP4, BP7

NM_001198800.3(ASCC1):c.489+14837G>C

Gene: ASCC1 (activating signal cointegrator 1 complex subunit 1; minus strand). Cytogenetic location: 10q22.1.
Variant type: single nucleotide variant.
Coding change: c.489+14837G>C on transcript NM_001198800.3 (MANE Select); 14837 bases into the intron after coding-DNA position 489, G replaced by C.
Molecular consequence: intron variant.
Genome position (GRCh38, 1-based): chr10:72,181,974, C>G on the plus strand (G>C on the coding strand, the complement: ASCC1 is on the minus strand). VCF-style: chr10-72181974-C-G. GRCh37 (hg19) VCF-style: chr10-73941732-C-G.
Other names: c.555+14837G>C (NM_001369099.1, NM_001369086.1, NM_001369085.1); c.489+14837G>C (NM_001369112.1, NM_001369108.1, NM_001369103.1 and 18 more transcripts); c.573+14837G>C (NM_001198799.3); c.372+14837G>C (NM_001369105.1, NM_001369102.1, NM_001369106.1 and 2 more transcripts).
Identifiers: ClinVar variation 2640576 (VCV002640576.24), dbSNP rs139370896, ClinGen allele CA209521956.